The following is an entry in ClinVar:

ClinVar aggregate classification (germline): Likely benign. Review status: criteria provided, multiple submitters, no conflicts (2 of 4 stars). 2 submissions from 2 submitters: Likely benign (2). Last evaluated 2023-12-18.

Conditions:
Arrhythmogenic right ventricular cardiomyopathy (ARVD). Also called: Arrhythmogenic right ventricular dysplasia; Cardiomyopathy, ARVC; Arrhythmogenic cardiomyopathy; Arrhythmogenic Right Ventricular Cardiomyopathy (ARVC). Identifiers: Orphanet 247, MedGen C0349788, MeSH D019571, MONDO:0016587. Disease mechanism: loss of function. Inheritance: Various modes of inheritance.
Cardiovascular phenotype. Identifiers: MedGen CN230736.

Allele frequency attached by ClinVar (database versions not stated): gnomAD exomes below 0.00001; ExAC 0.00001.
gnomAD v4.1: 2 of 1,614,176 alleles (0.00012%); highest among the groups gnomAD compares: Admixed American, 0.0033%; no homozygotes.

Submissions (2):

All of Us Research Program, National Institutes of Health
Classification: Likely benign for Arrhythmogenic right ventricular cardiomyopathy. Last evaluated: 2023-12-18. Review status: criteria provided, single submitter. Criteria: ACMG Guidelines, 2015. Collection method: clinical testing. Allele origin: germline. Inheritance: Autosomal dominant inheritance. Observed: 1 variant allele, 1 heterozygote.
Comment: This study involves interpretation of variants in research participants for the purpose of population health screening. Participant phenotype was not available at the time of variant classification. Additional details can be found in publication PMID: 35346344, PMCID: PMC8962531

Ambry Genetics
Classification: Likely benign for Cardiovascular phenotype. Last evaluated: 2023-02-12. Review status: criteria provided, single submitter. Criteria: Ambry Variant Classification Scheme 2023. Collection method: clinical testing. Allele origin: germline.

NM_001943.5(DSG2):c.1710C>T (p.Phe570=)

Gene: DSG2 (desmoglein 2; plus strand). Cytogenetic location: 18q12.1.
Variant type: single nucleotide variant.
Coding change: c.1710C>T on transcript NM_001943.5 (MANE Select); coding-DNA position 1710, C replaced by T.
Protein change: p.Phe570=; no amino-acid change (phenylalanine 570 retained).
Molecular consequence: synonymous variant.
Genome position (GRCh38, 1-based): chr18:31,538,809, C>T. VCF-style: chr18-31538809-C-T. GRCh37 (hg19) VCF-style: chr18-29118772-C-T.
Identifiers: ClinVar variation 2448376 (VCV002448376.3), dbSNP rs746982893, ClinGen allele CA043514.